The following is an entry in ClinVar:

ClinVar aggregate classification (germline): Likely benign (1 of 4 stars; one submission).

Allele frequency attached by ClinVar (database versions not stated): ESP Exome Variant Server 0.00008.
gnomAD v4.1: 59 of 1,604,396 alleles (0.0037%); highest among the groups gnomAD compares: Non-Finnish European, 0.0043%; no homozygotes.

Submission:

CeGaT Center for Human Genetics Tuebingen
Classification: Likely benign. Last evaluated: 2022-10-01. Review status: criteria provided, single submitter. Criteria: CeGaT Center For Human Genetics Tuebingen Variant Classification Criteria Version 2. Collection method: clinical testing. Allele origin: germline. Affected: yes. Observed: 1 variant allele.
Comment: MMP17: BP4, BP7

NM_016155.7(MMP17):c.585C>T (p.Asn195=)

Gene: MMP17 (matrix metallopeptidase 17; plus strand). Cytogenetic location: 12q24.33.
Variant type: single nucleotide variant.
Coding change: c.585C>T on transcript NM_016155.7 (MANE Select); coding-DNA position 585, C replaced by T.
Protein change: p.Asn195=; no amino-acid change (asparagine 195 retained).
Molecular consequence: synonymous variant. On other transcripts: non-coding transcript variant (2).
Genome position (GRCh38, 1-based): chr12:131,840,735, C>T. VCF-style: chr12-131840735-C-T. GRCh37 (hg19) VCF-style: chr12-132325280-C-T.
Other names: c.333C>T, p.Asn111= (NM_001411000.1).
Identifiers: ClinVar variation 2643607 (VCV002643607.24), dbSNP rs142005718, ClinGen allele CA6881760.